The following is an entry in ClinVar:

NM_032242.4(PLXNA1):c.2864G>A (p.Arg955His)

Gene: PLXNA1 (plexin A1; plus strand). Cytogenetic location: 3q21.3.
Variant type: single nucleotide variant.
Coding change: c.2864G>A on transcript NM_032242.4 (MANE Select); coding-DNA position 2864, G replaced by A.
Protein change: p.Arg955His; replaces arginine 955 with histidine.
Molecular consequence: missense variant.
Genome position (GRCh38, 1-based): chr3:127,014,818, G>A. VCF-style: chr3-127014818-G-A. GRCh37 (hg19) VCF-style: chr3-126733661-G-A.
Other names: short protein forms R955H.
Identifiers: ClinVar variation 2636893 (VCV002636893.1), dbSNP rs1313568910, ClinGen allele CA354387891.

ClinVar aggregate classification (germline): Uncertain significance (1 of 4 stars; one submission).

Conditions:
PLXNA1-related disorder. Also called: PLXNA1-related condition.

Allele frequency attached by ClinVar (database versions not stated): gnomAD 0.00001; gnomAD exomes 0.00001; TOPMed 0.00001.
gnomAD v4.1: 9 of 1,612,272 alleles (0.00056%); highest among the groups gnomAD compares: Admixed American, 0.0083%; no homozygotes.

Submission:

PreventionGenetics, part of Exact Sciences
Classification: Uncertain significance for PLXNA1-related condition. Last evaluated: 2023-01-25. Review status: criteria provided, single submitter. Criteria: ACMG Guidelines, 2015. Collection method: clinical testing. Allele origin: germline.
Comment: The PLXNA1 c.2864G>A variant is predicted to result in the amino acid substitution p.Arg955His. To our knowledge, this variant has not been reported in the literature. This variant is reported in 0.0087% of alleles in individuals of Latino descent in gnomAD. At this time, the clinical significance of this variant is uncertain due to the absence of conclusive functional and genetic evidence.